The following is an entry in ClinVar:

ClinVar aggregate classification (germline): Uncertain significance (1 of 4 stars; one submission).

Conditions:
HNRNPU-related developmental and epileptic encephalopathy.

Submission:

Illumina Laboratory Services, Illumina
Classification: Uncertain significance for HNRNPU-related developmental and epileptic encephalopathy. Last evaluated: 2021-01-27. Review status: criteria provided, single submitter. Criteria: ICSLVariantClassificationCriteria RUGD 01 April 2020. Collection method: clinical testing. Allele origin: unknown.
Comment: The HNRNPU c.2045A>G (p.Lys682Arg) variant is a missense variant. A literature search was performed for the gene, cDNA change, and amino acid change. No publications were found based on this search. This variant is not found in the Genome Aggregation Database in a region of good sequence coverage, so the variant is presumed to be rare. Based on the limited evidence, the p.Lys682Arg variant is classified as a variant of uncertain significance for HNRNPU-related developmental and epileptic encephalopathy.

NM_031844.3(HNRNPU):c.2045A>G (p.Lys682Arg)

Gene: HNRNPU (heterogeneous nuclear ribonucleoprotein U; minus strand). Cytogenetic location: 1q44.
Variant type: single nucleotide variant.
Coding change: c.2045A>G on transcript NM_031844.3 (MANE Select); coding-DNA position 2045, A replaced by G.
Protein change: p.Lys682Arg; replaces lysine 682 with arginine.
Molecular consequence: missense variant.
Genome position (GRCh38, 1-based): chr1:244,856,026, T>C on the plus strand (A>G on the coding strand, the complement: HNRNPU is on the minus strand). VCF-style: chr1-244856026-T-C. GRCh37 (hg19) VCF-style: chr1-245019328-T-C.
Other names: c.1988A>G, p.Lys663Arg (NM_004501.3); short protein forms K663R, K682R.
Identifiers: ClinVar variation 1199199 (VCV001199199.4), dbSNP rs2102985396, ClinGen allele CA345488125.
Genomic context (GRCh38, chr1:244,856,026, plus strand): 5'-CTGTTAAACTGGTTCTTGCCACTCTTATTTTTATTGCTTTTCTTTGAGCCAGTGTTCTGT[T>C]TCTTTTCTGGTGGAAGAGCCTTTTTGCTTTCTTCCTTATATTGCTCCAAGAGTTTTTGGG-3'
Protein context (NP_114032.2, residues 672-692): ESKKALPPEK[Lys682Arg]QNTGSKKSNK